The following is an entry in ClinVar:

NM_001142966.3(GREB1L):c.1852_1863del (p.Asp618_Asp621del)

Gene: GREB1L (GREB1 like retinoic acid receptor coactivator; plus strand). Cytogenetic location: 18q11.1.
Variant type: Deletion.
Coding change: c.1852_1863del on transcript NM_001142966.3 (MANE Select); coding-DNA positions 1852 to 1863, 12 bases deleted (GATGACCTAGAC).
Protein change: p.Asp618_Asp621del.
Molecular consequence: inframe deletion.
Genome position (GRCh38, 1-based): chr18:21,452,085-21,452,096, GATGACCTAGAC deleted; deleting any 12 consecutive bases within chr18:21,452,084-21,452,096 gives the same sequence; the c. name uses the placement nearest the transcript's 3' end. VCF-style (leftmost placement, unchanged base first): chr18-21452083-GCGATGACCTAGA-G. GRCh37 (hg19) VCF-style: chr18-19032044-GCGATGACCTAGA-G.
Other names: p.Asp618_Asp621del; c.1852_1863del (NM_001142966.1, NM_001142966.2).
Identifiers: ClinVar variation 781396 (VCV000781396.9), dbSNP rs146134687, ClinGen allele CA8906438.
Genomic context (GRCh38, chr18:21,452,083, plus strand): 5'-TAATAAAAATGAAACAAACATATCCTTCCTTGTAACCTTCTTATCTCTATTTTGTAATAG[GCGATGACCTAGA>G]CAAGCTGCTGGAAAAAATGCAACAAAGAAGAGGAGACAGTGTGGTTACCCCTTTCGATGG-3'

ClinVar aggregate classification (germline): Benign. Review status: criteria provided, multiple submitters, no conflicts (2 of 4 stars). 2 submissions from 2 submitters: Benign (2). Last evaluated 2026-01-27.

Submissions (2):

Labcorp Genetics (formerly Invitae), Labcorp
Classification: Benign. Last evaluated: 2026-01-27. Review status: criteria provided, single submitter. Criteria: Invitae Variant Classification Sherloc (09022015). Collection method: clinical testing. Allele origin: germline.

Mayo Clinic Laboratories, Mayo Clinic
Classification: Benign. Last evaluated: 2024-12-12. Review status: criteria provided, single submitter. Criteria: ACMG Guidelines, 2015. Collection method: clinical testing. Allele origin: germline. Observed: 2 variant alleles.
Comment: BS1, BS2